The following is an entry in ClinVar:

ClinVar aggregate classification (germline): Pathogenic (1 of 4 stars; one submission).

Submission:

GeneDx
Classification: Pathogenic. Last evaluated: 2018-04-05. Review status: criteria provided, single submitter. Criteria: GeneDx Variant Classification (06012015). Collection method: clinical testing. Allele origin: germline. Affected: yes.
Comment: The W690X nonsense variant in the CTNNB1 gene has not been reported previously as a pathogenic variant nor as a benign variant to our knowledge. This variant is predicted to cause loss of normal protein function either through protein truncation or nonsense-mediated mRNA decay. The W690X variant is not observed in large population cohorts (Lek et al., 2016). We interpret W690X as a pathogenic variant.

NM_001904.4(CTNNB1):c.2069G>A (p.Trp690Ter)

Gene: CTNNB1 (catenin beta 1; plus strand). Cytogenetic location: 3p22.1.
Variant type: single nucleotide variant.
Coding change: c.2069G>A on transcript NM_001904.4 (MANE Select); coding-DNA position 2069, G replaced by A.
Protein change: p.Trp690Ter; replaces tryptophan 690 with a stop codon.
Molecular consequence: nonsense.
Genome position (GRCh38, 1-based): chr3:41,236,702, G>A. VCF-style: chr3-41236702-G-A. GRCh37 (hg19) VCF-style: chr3-41278193-G-A.
Other names: c.2069G>A, p.Trp690Ter (NM_001098209.2, NM_001098210.2); c.2048G>A, p.Trp683Ter (NM_001330729.2); short protein forms W690*, W683*.
Identifiers: ClinVar variation 523868 (VCV000523868.2), dbSNP rs1553632412, ClinGen allele CA352236786.